The following is an entry in ClinVar:

NM_170707.4(LMNA):c.810+2T>C

Gene: LMNA (lamin A/C; plus strand). Cytogenetic location: 1q22.
Variant type: single nucleotide variant.
Coding change: c.810+2T>C on transcript NM_170707.4 (MANE Select); the canonical splice donor site of the intron after coding-DNA position 810, T replaced by C.
Molecular consequence: splice donor variant.
Genome position (GRCh38, 1-based): chr1:156,134,977, T>C. VCF-style: chr1-156134977-T-C. GRCh37 (hg19) VCF-style: chr1-156104768-T-C.
Other names: c.810+2T>C (NM_001406991.1, NM_001406992.1, NM_001406985.1 and 6 more transcripts); c.252+2T>C (NM_001406993.1, NM_001407003.1, NM_001406995.1 and 4 more transcripts); c.146+2T>C (NM_001406999.1, NM_001407000.1, NM_001406994.1 and 1 more transcripts); c.567+2T>C (NM_001406986.1, NM_001406987.1, NM_001282624.2); c.474+2T>C (NM_001406989.1, NM_001257374.3, NM_001406998.1); c.513+2T>C (NM_001406988.1).
Identifiers: ClinVar variation 1338321 (VCV001338321.8), dbSNP rs2102882192, ClinGen allele CA342817459.

ClinVar aggregate classification (germline): Pathogenic. Review status: criteria provided, multiple submitters, no conflicts (2 of 4 stars). 2 submissions from 2 submitters: Pathogenic (2). Last evaluated 2022-03-03.

Conditions:
Charcot-Marie-Tooth disease type 2. Also called: Charcot-Marie-Tooth type 2. Identifiers: Orphanet 64746, MedGen C0270914, MONDO:0018993.

Submissions (2):

Labcorp Genetics (formerly Invitae), Labcorp
Classification: Pathogenic for Charcot-Marie-Tooth disease type 2. Last evaluated: 2022-03-03. Review status: criteria provided, single submitter. Criteria: Invitae Variant Classification Sherloc (09022015). Collection method: clinical testing. Allele origin: germline.
Comment: For these reasons, this variant has been classified as Pathogenic. Studies have shown that disruption of this splice site is associated with altered splicing resulting in partially altered splicing event (PMID: 30572990). Disruption of this splice site has been observed in individual(s) with LMNA-related conditions (PMID: 30572990; Invitae). In at least one individual the variant was observed to be de novo. This variant is not present in population databases (gnomAD no frequency). This sequence change affects a donor splice site in intron 4 of the LMNA gene. It is expected to disrupt RNA splicing. Variants that disrupt the donor or acceptor splice site typically lead to a loss of protein function (PMID: 16199547), and loss-of-function variants in LMNA are known to be pathogenic (PMID: 18585512, 18926329).

Genetic Services Laboratory, University of Chicago
Classification: Pathogenic. Last evaluated: 2017-11-03. Review status: criteria provided, single submitter. Criteria: ACMG Guidelines, 2015. Collection method: clinical testing. Allele origin: germline. Affected: yes.

Literature cited by the submitters: PubMed 30572990 (cited by Labcorp Genetics (formerly Invitae), Labcorp); PubMed 16199547 (cited by Labcorp Genetics (formerly Invitae), Labcorp); PubMed 18585512 (cited by Labcorp Genetics (formerly Invitae), Labcorp); PubMed 18926329 (cited by Labcorp Genetics (formerly Invitae), Labcorp).